The following is an entry in ClinVar:

NM_001267550.2(TTN):c.227G>C (p.Gly76Ala)

Gene: TTN (titin; minus strand). Cytogenetic location: 2q31.2.
Variant type: single nucleotide variant.
Coding change: c.227G>C on transcript NM_001267550.2 (MANE Select); coding-DNA position 227, G replaced by C.
Protein change: p.Gly76Ala; replaces glycine 76 with alanine.
Molecular consequence: missense variant.
Genome position (GRCh38, 1-based): chr2:178,802,206, C>G on the plus strand (G>C on the coding strand, the complement: TTN is on the minus strand). VCF-style: chr2-178802206-C-G. GRCh37 (hg19) VCF-style: chr2-179666933-C-G.
Other names: c.227G>C, p.Gly76Ala (NM_003319.4, NM_133378.4, NM_001256850.1 and 3 more transcripts); short protein forms G76A.
Identifiers: ClinVar variation 287944 (VCV000287944.56), dbSNP rs138750421, ClinGen allele CA2006387.

ClinVar aggregate classification (germline): Conflicting classifications of pathogenicity. Review status: criteria provided, conflicting classifications (1 of 4 stars). 14 submissions from 10 submitters: Uncertain significance (10); Benign (2); Likely benign (2). Last evaluated 2026-08-06.

Conditions:
TTN-related disorder. Also called: TTN-related disorders; TTN-related condition; TTN-related disease.
Cardiovascular phenotype. Identifiers: MedGen CN230736.
Tibial muscular dystrophy (TMD). Also called: UDD MYOPATHY; Tibial muscular dystrophy, tardive; Udd Distal Myopathy – Tibial Muscular Dystrophy. Identifiers: Orphanet 609, MedGen C1838244, MONDO:0010870, OMIM 600334.
Dilated cardiomyopathy 1G (CMD1G). Identifiers: Orphanet 154, MedGen C1858763, MONDO:0011400, OMIM 604145.
Myopathy, myofibrillar, 9, with early respiratory failure (MFM9). Also called: Myopathy, distal, with early respiratory failure, autosomal dominant; Hereditary myopathy with early respiratory failure; EDSTROM MYOPATHY; MYOPATHY, PROXIMAL, WITH EARLY RESPIRATORY MUSCLE INVOLVEMENT. Identifiers: Orphanet 178464, Orphanet 34521, MedGen C1863599, MONDO:0011362, OMIM 603689.
Autosomal recessive limb-girdle muscular dystrophy type 2J (LGMDR10). Also called: MUSCULAR DYSTROPHY, LIMB-GIRDLE, AUTOSOMAL RECESSIVE 10; Limb-girdle muscular dystrophy, type 2J. Identifiers: Orphanet 140922, MedGen C1837342, MONDO:0012127, OMIM 608807.
Early-onset myopathy with fatal cardiomyopathy (CMYO5). Also called: Salih Myopathy; CONGENITAL MYOPATHY 5 WITH CARDIOMYOPATHY. Identifiers: Orphanet 289377, MedGen C2673677, MONDO:0012714, OMIM 611705. Disease mechanism: loss of function.

Allele frequency attached by ClinVar (database versions not stated): TOPMed 0.00007; gnomAD 0.00011; ExAC 0.00013; ESP Exome Variant Server 0.00046.
gnomAD v4.1: 133 of 1,614,012 alleles (0.0082%); highest among the groups gnomAD compares: Non-Finnish European, 0.0092%; no homozygotes.

Submissions (14):

OLLIN Analises Genomicas, OLLIN
Classification: Uncertain significance for Tibial muscular dystrophy. Last evaluated: 2026-08-06. Review status: criteria provided, single submitter. Criteria: ACMG Guidelines 2015 PMID 25741868. Collection method: clinical testing. Allele origin: germline. Inheritance: Autosomal dominant inheritance.
Comment: This missense variant, located in exon 3 (of 363), has been reported in ClinVar (accession VCV000287944.53) and in gnomAD with an allele frequency of 0.0082%. However, to our knowledge, it has not been reported in the scientific literature. In silico analysis predicts that this variant has a deleterious effect. This gene has high tolerance to missense variation. According to the currently available evidence, this variant has been classified as uncertain significance (PP3, BP1).

PreventionGenetics, part of Exact Sciences
Classification: Uncertain significance for TTN-related condition. Last evaluated: 2026-01-20. Review status: criteria provided, single submitter. Criteria: ACMG Guidelines, 2015. Collection method: clinical testing. Allele origin: germline.
Comment: The TTN c.227G>C variant is predicted to result in the amino acid substitution p.Gly76Ala. To our knowledge, this variant has not been reported in the literature. This variant is reported in 0.017% of alleles in individuals of European (Non-Finnish) descent in gnomAD. At this time, the clinical significance of this variant is uncertain due to the absence of conclusive functional and genetic evidence.

Blueprint Genetics
Classification: Likely benign. Last evaluated: 2024-08-15. Review status: criteria provided, single submitter. Criteria: ACMG Guidelines, 2015. Collection method: clinical testing. Allele origin: germline.

CeGaT Center for Human Genetics Tuebingen
Classification: Uncertain significance. Last evaluated: 2024-05-01. Review status: criteria provided, single submitter. Criteria: CeGaT Center For Human Genetics Tuebingen Variant Classification Criteria Version 2. Collection method: clinical testing. Allele origin: germline. Affected: yes. Observed: 4 variant alleles.

Revvity Omics, Revvity
Classification: Uncertain significance. Last evaluated: 2023-09-15. Review status: criteria provided, single submitter. Criteria: ACMG Guidelines, 2015. Collection method: clinical testing. Allele origin: germline.

ARUP Laboratories, Molecular Genetics and Genomics, ARUP Laboratories
Classification: Uncertain significance. Last evaluated: 2019-08-12. Review status: criteria provided, single submitter. Criteria: ARUP Molecular Germline Variant Investigation Process. Collection method: clinical testing. Allele origin: germline.
Comment: The TTN c.227G>C; p.Gly76Ala variant (rs138750421; ClinVar Variation ID: 287944)]is rare in the general population (<1% allele frequency in the Genome Aggregation Database) and has not been reported in the medical literature in association with dilated cardiomyopathy (DCM) or other TTN-related disease. The clinical relevance of rare missense variants in this gene, which are identified on average once per individual sequenced in affected populations (Herman 2012), is not well understood. Yet, evidence suggests that the vast majority of such missense variants do not contribute to the clinical outcome of DCM (Begay 2015). Thus, the clinical significance of the p.Gly76Ala variant cannot be determined with certainty. References: Begay RL et al. Role of Titin Missense Variants in Dilated Cardiomyopathy. J Am Heart Assoc. 2015 Nov 13;4(11). Herman DS et al. Truncations of titin causing dilated cardiomyopathy. N Engl J Med. 2012 Feb 16;366(7):619-28.

Ambry Genetics
Classification: Uncertain significance for Cardiovascular phenotype. Last evaluated: 2019-05-24. Review status: criteria provided, single submitter. Criteria: Ambry Variant Classification Scheme 2023. Collection method: clinical testing. Allele origin: germline.
Comment: The p.G76A variant (also known as c.227G>C), located in coding exon 2 of the TTN gene, results from a G to C substitution at nucleotide position 227. The glycine at codon 76 is replaced by alanine, an amino acid with similar properties. This amino acid position is highly conserved in available vertebrate species. In addition, the in silico prediction for this alteration is inconclusive. Since supporting evidence is limited at this time, the clinical significance of this alteration remains unclear.

GeneDx
Classification: Likely benign. Last evaluated: 2018-10-11. Review status: criteria provided, single submitter. Criteria: GeneDx Variant Classification Process June 2021. Collection method: clinical testing. Allele origin: germline. Affected: yes.

Illumina Laboratory Services, Illumina
Classification: Benign for Myopathy, myofibrillar, 9, with early respiratory failure. Last evaluated: 2017-05-26. Review status: criteria provided, single submitter. Criteria: ICSL Variant Classification Criteria 13 December 2019. Collection method: clinical testing. Allele origin: germline.
Comment: This variant was observed as part of a predisposition screen in an ostensibly healthy population. A literature search was performed for the gene, cDNA change, and amino acid change (where applicable). No publications were found based on this search. Allele frequency data from public databases was too high to be consistent with this variant causing disease. Therefore, this variant is classified as benign.

Illumina Laboratory Services, Illumina
Classification: Benign for Tibial muscular dystrophy. Last evaluated: 2017-05-26. Review status: criteria provided, single submitter. Criteria: ICSL Variant Classification Criteria 13 December 2019. Collection method: clinical testing. Allele origin: germline.
Comment: the same text as in the submission from Illumina Laboratory Services, Illumina above.

Eurofins Ntd Llc (ga)
Classification: Uncertain significance. Last evaluated: 2017-05-25. Review status: criteria provided, single submitter. Criteria: EGL Classification Definitions 2015. Collection method: clinical testing. Allele origin: germline. Observed: 3 variant alleles, 3 heterozygotes.

Illumina Laboratory Services, Illumina
Classification: Uncertain significance for Autosomal recessive limb-girdle muscular dystrophy type 2J. Last evaluated: 2017-04-27. Review status: criteria provided, single submitter. Criteria: ICSL Variant Classification Criteria 13 December 2019. Collection method: clinical testing. Allele origin: germline.

Illumina Laboratory Services, Illumina
Classification: Uncertain significance for Dilated cardiomyopathy 1G. Last evaluated: 2017-04-27. Review status: criteria provided, single submitter. Criteria: ICSL Variant Classification Criteria 13 December 2019. Collection method: clinical testing. Allele origin: germline.

Illumina Laboratory Services, Illumina
Classification: Uncertain significance for Early-onset myopathy with fatal cardiomyopathy. Last evaluated: 2017-04-27. Review status: criteria provided, single submitter. Criteria: ICSL Variant Classification Criteria 13 December 2019. Collection method: clinical testing. Allele origin: germline.